The following is an entry in ClinVar:

ClinVar aggregate classification (germline): Uncertain significance (1 of 4 stars; one submission).

Conditions:
Werner syndrome (WRN). Identifiers: Orphanet 902, MedGen C0043119, MONDO:0010196, OMIM 277700.

Submission:

Labcorp Genetics (formerly Invitae), Labcorp
Classification: Uncertain significance for Werner syndrome. Last evaluated: 2021-08-22. Review status: criteria provided, single submitter. Criteria: Invitae Variant Classification Sherloc (09022015). Collection method: clinical testing. Allele origin: germline.
Comment: This sequence change replaces aspartic acid with asparagine at codon 954 of the WRN protein (p.Asp954Asn). The aspartic acid residue is moderately conserved and there is a small physicochemical difference between aspartic acid and asparagine. This variant is not present in population databases (ExAC no frequency). This variant has not been reported in the literature in individuals with WRN-related conditions. Algorithms developed to predict the effect of missense changes on protein structure and function are either unavailable or do not agree on the potential impact of this missense change (SIFT: "Not available"; PolyPhen-2: "Possibly Damaging"; Align-GVGD: "Not available"). In summary, the available evidence is currently insufficient to determine the role of this variant in disease. Therefore, it has been classified as a Variant of Uncertain Significance.

NM_000553.6(WRN):c.2860G>A (p.Asp954Asn)

Gene: WRN (WRN RecQ like helicase; plus strand). Cytogenetic location: 8p12.
Variant type: single nucleotide variant.
Coding change: c.2860G>A on transcript NM_000553.6 (MANE Select); coding-DNA position 2860, G replaced by A.
Protein change: p.Asp954Asn; replaces aspartic acid 954 with asparagine.
Molecular consequence: missense variant.
Genome position (GRCh38, 1-based): chr8:31,132,399, G>A. VCF-style: chr8-31132399-G-A. GRCh37 (hg19) VCF-style: chr8-30989915-G-A.
Other names: short protein forms D954N.
Identifiers: ClinVar variation 1042733 (VCV001042733.3), dbSNP rs1802214861, ClinGen allele CA370918884.